The following is an entry in ClinVar:

NM_000334.4(SCN4A):c.5120C>T (p.Ala1707Val)

Genes: GH-LCR (growth hormone locus control region; plus strand), SCN4A (sodium voltage-gated channel alpha subunit 4; minus strand). Cytogenetic location: 17q23.3.
Variant type: single nucleotide variant.
Coding change: c.5120C>T on transcript NM_000334.4 (MANE Select); coding-DNA position 5120, C replaced by T.
Protein change: p.Ala1707Val; replaces alanine 1707 with valine.
Molecular consequence: missense variant.
Genome position (GRCh38, 1-based): chr17:63,941,162, G>A on the plus strand (C>T on the coding strand, the complement: SCN4A is on the minus strand). VCF-style: chr17-63941162-G-A. GRCh37 (hg19) VCF-style: chr17-62018522-G-A.
Other names: short protein forms A1707V.
Identifiers: ClinVar variation 2892007 (VCV002892007.5), dbSNP rs2509283472, ClinGen allele CA400613949.
Genomic context (GRCh38, chr17:63,941,162, plus strand): 5'-TCGTGCTTCCTCTTGAGGGTGGTGGTGATGGGCTCGTAGGACACCTTGGAGGGGTTGGCT[G>A]CCATGAACTTCTCCTCCATGGTCTGCTTGAGGGCGTCCATTTCCCCAGAGTCACCCAGGA-3'
Protein context (NP_000325.4, residues 1697-1717): LKQTMEEKFM[Ala1707Val]ANPSKVSYEP

ClinVar aggregate classification (germline): Uncertain significance. Review status: criteria provided, multiple submitters, no conflicts (2 of 4 stars). 2 submissions from 2 submitters: Uncertain significance (2). Last evaluated 2026-06-05.

Conditions:
Hyperkalemic periodic paralysis. Also called: Gamstorp disease; Familial hyperkalemic periodic paralysis. Identifiers: Orphanet 682, MedGen C0238357, MONDO:0008224, OMIM 170500, HP:0007215.

Allele frequency attached by ClinVar (database versions not stated): gnomAD exomes below 0.00001.
gnomAD v4.1: 3 of 1,613,862 alleles (0.00019%); highest among the groups gnomAD compares: Non-Finnish European, 0.00025%; no homozygotes.

Submissions (2):

GeneDx
Classification: Uncertain significance. Last evaluated: 2026-06-05. Review status: criteria provided, single submitter. Criteria: GeneDx Variant Classification Process June 2021. Collection method: clinical testing. Allele origin: germline.
Comment: Not observed at significant frequency in large population cohorts (gnomAD); In silico analysis suggests that this missense variant does not alter protein structure/function; Has not been previously published as pathogenic or benign to our knowledge

Labcorp Genetics (formerly Invitae), Labcorp
Classification: Uncertain significance for Hyperkalemic periodic paralysis. Last evaluated: 2023-05-04. Review status: criteria provided, single submitter. Criteria: Invitae Variant Classification Sherloc (09022015). Collection method: clinical testing. Allele origin: germline.
Comment: In summary, the available evidence is currently insufficient to determine the role of this variant in disease. Therefore, it has been classified as a Variant of Uncertain Significance. Advanced modeling of protein sequence and biophysical properties (such as structural, functional, and spatial information, amino acid conservation, physicochemical variation, residue mobility, and thermodynamic stability) performed at Invitae indicates that this missense variant is not expected to disrupt SCN4A protein function. This variant has not been reported in the literature in individuals affected with SCN4A-related conditions. This variant is not present in population databases (gnomAD no frequency). This sequence change replaces alanine, which is neutral and non-polar, with valine, which is neutral and non-polar, at codon 1707 of the SCN4A protein (p.Ala1707Val).